The following is an entry in ClinVar:

ClinVar aggregate classification (germline): Benign/Likely benign. Review status: criteria provided, multiple submitters, no conflicts (2 of 4 stars). 5 submissions from 5 submitters: Benign (1); Likely benign (2). 2 of the submissions do not count toward it. Last evaluated 2025-03-17.

Conditions:
Idiopathic basal ganglia calcification 1 (PFBC1A). Also called: Familial Idiopathic Basal Ganglia Calcification 2; Familial Idiopathic Basal Ganglia Calcification 3; Primary Familial Brain Calcification; PRIMARY FAMILIAL BRAIN CALCIFICATION 1A, AUTOSOMAL DOMINANT; Fahr's syndrome; Cerebral calcification nonarteriosclerotic idiopathic adult-onset. Identifiers: Orphanet 1980, MedGen C4551624, MONDO:0024538, OMIM 213600.

Allele frequency attached by ClinVar (database versions not stated): gnomAD exomes 0.00028 and 0.00017; 1000 Genomes Project 30x 0.00031; ExAC 0.00044; TOPMed 0.00011; gnomAD 0.00016 and 0.00017; ESP Exome Variant Server 0.00023; 1000 Genomes Project 0.00020.

Submissions (5):

Labcorp Genetics (formerly Invitae), Labcorp
Classification: Likely benign. Last evaluated: 2025-03-17. Review status: criteria provided, single submitter. Criteria: Invitae Variant Classification Sherloc (09022015). Collection method: clinical testing. Allele origin: germline.

Blueprint Genetics
Classification: Likely benign. Last evaluated: 2024-10-07. Review status: criteria provided, single submitter. Criteria: ACMG Guidelines, 2015. Collection method: clinical testing. Allele origin: germline.

Illumina Laboratory Services, Illumina
Classification: Benign for Idiopathic basal ganglia calcification 1. Last evaluated: 2018-01-12. Review status: criteria provided, single submitter. Criteria: ICSL Variant Classification Criteria 13 December 2019. Collection method: clinical testing. Allele origin: germline.
Comment: This variant was observed in the ICSL laboratory as part of a predisposition screen in an ostensibly healthy population. It had not been previously curated by ICSL or reported in the Human Gene Mutation Database (HGMD: prior to June 1st, 2018), and was therefore a candidate for classification through an automated scoring system. Utilizing variant allele frequency, disease prevalence and penetrance estimates, and inheritance mode, an automated score was calculated to assess if this variant is too frequent to cause the disease. Based on the score and internal cut-off values, a variant classified as benign is not then subjected to further curation. The score for this variant resulted in a classification of benign for this disease.

Genome Diagnostics Laboratory, Amsterdam University Medical Center
Classification: Likely benign. Review status: no assertion criteria provided. Collection method: clinical testing. Allele origin: germline. Affected: yes. Study: VKGL Data-share Consensus. Not counted in ClinVar's aggregate classification.

Joint Genome Diagnostic Labs from Nijmegen and Maastricht, Radboudumc and MUMC+
Classification: Likely benign. Review status: no assertion criteria provided. Collection method: clinical testing. Allele origin: germline. Affected: yes. Study: VKGL Data-share Consensus. Not counted in ClinVar's aggregate classification.

NM_001257180.2(SLC20A2):c.138G>A (p.Gln46=)

Gene: SLC20A2 (solute carrier family 20 member 2; minus strand). Cytogenetic location: 8p11.21.
Variant type: single nucleotide variant.
Coding change: c.138G>A on transcript NM_001257180.2 (MANE Select); coding-DNA position 138, G replaced by A.
Protein change: p.Gln46=; no amino-acid change (glutamine 46 retained).
Molecular consequence: synonymous variant.
Genome position (GRCh38, 1-based): chr8:42,472,253, C>T on the plus strand (G>A on the coding strand, the complement: SLC20A2 is on the minus strand). VCF-style: chr8-42472253-C-T. GRCh37 (hg19) VCF-style: chr8-42329771-C-T.
Other names: c.138G>A, p.Gln46= (NM_001257181.2, NM_006749.5).
Identifiers: ClinVar variation 363094 (VCV000363094.16), dbSNP rs116068659, ClinGen allele CA4733656.